The following is an entry in ClinVar:

ClinVar aggregate classification (germline): Likely pathogenic. Review status: criteria provided, multiple submitters, no conflicts (2 of 4 stars). 2 submissions from 2 submitters: Likely pathogenic (2). Last evaluated 2024-02-29.

Conditions:
Familial cancer of breast. Also called: BREAST CANCER, FAMILIAL; Hereditary breast cancer; hereditary breast carcinoma. Identifiers: Orphanet 227535, MedGen C0346153, MONDO:0016419, OMIM 114480. Disease mechanism: loss of function.

Submissions (2):

Baylor Genetics
Classification: Likely pathogenic for Familial cancer of breast. Last evaluated: 2024-02-29. Review status: criteria provided, single submitter. Criteria: ACMG Guidelines, 2015. Collection method: clinical testing. Allele origin: unknown.

KCCC/NGS Laboratory, Kuwait Cancer Control Center
Classification: Likely pathogenic for Familial cancer of breast. Review status: criteria provided, single submitter. Criteria: ACMG Guidelines, 2015. Collection method: clinical testing. Allele origin: germline. Affected: yes. Observed: 1 heterozygote.
Comment: The position in Intron within ±2 of splice site in gene CDH1 is highly conservative (PhyloP=7.86). This Variant not found in gnomAD database nor in our local database . ClinVar (ID:3241022) classifies this variant as Likely Pathogenic, 1 star . According to ACMG classification: PVS1_Strong, PM2_Supporting, PP4. In silico predictions support that this variant is disease causing . Loss-of-function is a known mechanism of disease . Therefore, it has been classified as Likely pathogenic. Heterozygous pathogenic and likely pathogenic variants in the CDH1 gene cause increased susceptibility to breast cancer (OMIM# 114480).

NM_004360.5(CDH1):c.2439+2T>C

Gene: CDH1 (cadherin 1; plus strand). Cytogenetic location: 16q22.1.
Variant type: single nucleotide variant.
Coding change: c.2439+2T>C on transcript NM_004360.5 (MANE Select); the canonical splice donor site of the intron after coding-DNA position 2439, T replaced by C.
Molecular consequence: splice donor variant.
Genome position (GRCh38, 1-based): chr16:68,829,799, T>C. VCF-style: chr16-68829799-T-C. GRCh37 (hg19) VCF-style: chr16-68863702-T-C.
Other names: c.2439+2T>C (NM_004360.4); c.891+2T>C (NM_001317185.2); c.474+2T>C (NM_001317186.2); c.2256+2T>C (NM_001317184.2).
Identifiers: ClinVar variation 3241022 (VCV003241022.2), dbSNP rs2543957611.
Genomic context (GRCh38, chr16:68,829,799, plus strand): 5'-TCCCCCGGTATCTTCCCCGCCCTGCCAATCCCGATGAAATTGGAAATTTTATTGATGAAG[T>C]AAGTAATCCACGTGGAAAGCCAAAGCATGGCTCATCTCTAAGCTCAGGAGGAGTTGTGTC-3'